The following is an entry in ClinVar:

ClinVar aggregate classification (germline): Conflicting classifications of pathogenicity. Review status: criteria provided, conflicting classifications (1 of 4 stars). 7 submissions from 7 submitters: Uncertain significance (4); Likely benign (2). 1 of the submissions does not count toward it. Last evaluated 2026-07-07.

Conditions:
GARS1-related disorder. Also called: GARS1-related condition.
Charcot-Marie-Tooth disease. Also called: Charcot-Marie-Tooth Neuropathy; Charcot-Marie-Tooth Hereditary Neuropathy. Identifiers: Orphanet 166, MedGen C0007959, MONDO:0015626.
Charcot-Marie-Tooth disease type 2. Also called: Charcot-Marie-Tooth type 2. Identifiers: Orphanet 64746, MedGen C0270914, MONDO:0018993.

Allele frequency attached by ClinVar (database versions not stated): ExAC 0.00002; gnomAD exomes 0.00002; gnomAD 0.00004 and 0.00005; TOPMed 0.00004; ESP Exome Variant Server 0.00008.
gnomAD v4.1: 61 of 1,613,068 alleles (0.0038%); highest among the groups gnomAD compares: Middle Eastern, 0.049%; no homozygotes.

Submissions (7):

PreventionGenetics, part of Exact Sciences
Classification: Uncertain significance for GARS1-related condition. Last evaluated: 2026-07-07. Review status: criteria provided, single submitter. Criteria: ACMG Guidelines, 2015. Collection method: clinical testing. Allele origin: germline.
Comment: The GARS1 c.1754T>C variant is predicted to result in the amino acid substitution p.Met585Thr. To our knowledge, this variant has not been reported in the literature. This variant is reported in 0.0065% of alleles in individuals of South Asian descent in gnomAD. At this time, the clinical significance of this variant is uncertain due to the absence of conclusive functional and genetic evidence.

Labcorp Genetics (formerly Invitae), Labcorp
Classification: Likely benign for Charcot-Marie-Tooth disease type 2. Last evaluated: 2026-01-26. Review status: criteria provided, single submitter. Criteria: Invitae Variant Classification Sherloc (09022015). Collection method: clinical testing. Allele origin: germline.

Ambry Genetics
Classification: Uncertain significance. Last evaluated: 2025-10-18. Review status: criteria provided, single submitter. Criteria: Ambry Variant Classification Scheme 2023. Collection method: clinical testing. Allele origin: germline.

Women's Health and Genetics/Laboratory Corporation of America, LabCorp
Classification: Uncertain significance. Last evaluated: 2024-02-14. Review status: criteria provided, single submitter. Criteria: LabCorp Variant Classification Summary - May 2015. Collection method: clinical testing. Allele origin: germline.
Comment: Variant summary: GARS1 c.1754T>C (p.Met585Thr) results in a non-conservative amino acid change located in the Aminoacyl-tRNA synthetase, class II (IPR006195) of the encoded protein sequence. Three of five in-silico tools predict a damaging effect of the variant on protein function. The variant allele was found at a frequency of 3.8e-05 in 1613068 control chromosomes. This frequency does not allow any conclusion about variant significance. To our knowledge, no occurrence of c.1754T>C in individuals affected with GARS1-Related Disorders and no experimental evidence demonstrating its impact on protein function have been reported. ClinVar contains an entry for this variant (Variation ID: 246215). Based on the evidence outlined above, the variant was classified as uncertain significance.

CeGaT Center for Human Genetics Tuebingen
Classification: Uncertain significance. Last evaluated: 2023-09-01. Review status: criteria provided, single submitter. Criteria: CeGaT Center For Human Genetics Tuebingen Variant Classification Criteria Version 2. Collection method: clinical testing. Allele origin: germline. Affected: yes. Observed: 1 variant allele.

GeneDx
Classification: Likely benign. Last evaluated: 2020-07-02. Review status: criteria provided, single submitter. Criteria: GeneDx Variant Classification Process June 2021. Collection method: clinical testing. Allele origin: germline. Affected: yes.

Genesis Genome Database
Classification: Uncertain significance for Charcot-Marie-Tooth disease. Last evaluated: 2019-08-14. Review status: no assertion criteria provided. Collection method: research. Allele origin: germline. Affected: yes. Not counted in ClinVar's aggregate classification.

NM_002047.4(GARS1):c.1754T>C (p.Met585Thr)

Gene: GARS1 (glycyl-tRNA synthetase 1; plus strand). Cytogenetic location: 7p14.3.
Variant type: single nucleotide variant.
Coding change: c.1754T>C on transcript NM_002047.4 (MANE Select); coding-DNA position 1754, T replaced by C.
Protein change: p.Met585Thr; replaces methionine 585 with threonine.
Molecular consequence: missense variant.
Genome position (GRCh38, 1-based): chr7:30,628,614, T>C. VCF-style: chr7-30628614-T-C. GRCh37 (hg19) VCF-style: chr7-30668230-T-C.
Other names: c.1754T>C (LRG_243t1, NM_002047.3); c.1592T>C, p.Met531Thr (NM_001316772.1); short protein forms M585T, M531T.
Identifiers: ClinVar variation 246215 (VCV000246215.35), dbSNP rs374378925, ClinGen allele CA4206066.